The following is an entry in ClinVar:

NM_019098.5(CNGB3):c.852+4A>G

Gene: CNGB3 (cyclic nucleotide gated channel subunit beta 3; minus strand). Cytogenetic location: 8q21.3.
Variant type: single nucleotide variant.
Coding change: c.852+4A>G on transcript NM_019098.5 (MANE Select); 4 bases into the intron after coding-DNA position 852, A replaced by G.
Molecular consequence: intron variant.
Genome position (GRCh38, 1-based): chr8:86,666,921, T>C on the plus strand (A>G on the coding strand, the complement: CNGB3 is on the minus strand). VCF-style: chr8-86666921-T-C. GRCh37 (hg19) VCF-style: chr8-87679149-T-C.
Identifiers: ClinVar variation 2067180 (VCV002067180.2), dbSNP rs2538124422, ClinGen allele CA2579200124.
Genomic context (GRCh38, chr8:86,666,921, plus strand): 5'-CTTTTTGTAGCCCAATTAGATGTTATTCACGTTTCAGTTTCTGCCTTTCCCGAACCCCAC[T>C]TACTATTATGTCTCCTCCTCTTACAAACTGGAGTCTGGGCTGGATAAATAGCATATCATA-3'

ClinVar aggregate classification (germline): Uncertain significance (1 of 4 stars; one submission).

Allele frequency attached by ClinVar (database versions not stated): gnomAD exomes 0.00001.
gnomAD v4.1: 17 of 1,610,588 alleles (0.0011%); highest among the groups gnomAD compares: Non-Finnish European, 0.0014%; no homozygotes.

Submission:

Labcorp Genetics (formerly Invitae), Labcorp
Classification: Uncertain significance. Last evaluated: 2021-12-30. Review status: criteria provided, single submitter. Criteria: Invitae Variant Classification Sherloc (09022015). Collection method: clinical testing. Allele origin: germline.
Comment: In summary, the available evidence is currently insufficient to determine the role of this variant in disease. Therefore, it has been classified as a Variant of Uncertain Significance. Variants that disrupt the consensus splice site are a relatively common cause of aberrant splicing (PMID: 17576681, 9536098). Algorithms developed to predict the effect of sequence changes on RNA splicing suggest that this variant may disrupt the consensus splice site. This variant has not been reported in the literature in individuals affected with CNGB3-related conditions. This variant is not present in population databases (gnomAD no frequency). This sequence change falls in intron 6 of the CNGB3 gene. It does not directly change the encoded amino acid sequence of the CNGB3 protein. It affects a nucleotide within the consensus splice site.

Literature cited by the submitters: PubMed 17576681; PubMed 9536098.